The following is an entry in ClinVar:

ClinVar aggregate classification (germline): Uncertain significance. Review status: criteria provided, single submitter (1 of 4 stars). 2 submissions from 2 submitters: Uncertain significance (1). 1 of the submissions does not count toward it. Last evaluated 2018-01-13.

Conditions:
PCNT-related disorder. Also called: PCNT-related condition.
Microcephalic osteodysplastic primordial dwarfism type II (MOPD2). Also called: Microcephalic osteodysplastic primordial dwarfism with tooth abnormalities; MOPD II; OSTEODYSPLASTIC PRIMORDIAL DWARFISM, TYPE II. Identifiers: Orphanet 2637, MedGen C0432246, MONDO:0008872, OMIM 210720.

Allele frequency attached by ClinVar (database versions not stated): ExAC 0.00002; gnomAD exomes 0.00003; TOPMed 0.00003; gnomAD 0.00006.
gnomAD v4.1: 61 of 1,612,914 alleles (0.0038%); highest among the groups gnomAD compares: Non-Finnish European, 0.0048%; 1 homozygote.

Submissions (2):

Illumina Laboratory Services, Illumina
Classification: Uncertain significance for Microcephalic osteodysplastic primordial dwarfism type II. Last evaluated: 2018-01-13. Review status: criteria provided, single submitter. Criteria: ICSL Variant Classification Criteria 13 December 2019. Collection method: clinical testing. Allele origin: germline.

PreventionGenetics, part of Exact Sciences
Classification: Uncertain significance for PCNT-related condition. Last evaluated: 2023-12-19. Review status: no assertion criteria provided. Collection method: clinical testing. Allele origin: germline. Not counted in ClinVar's aggregate classification.
Comment: The PCNT c.267+3A>G variant is predicted to interfere with splicing. To our knowledge, this variant has not been reported in the literature. This variant is reported in 0.0080% of alleles in individuals of African descent in gnomAD. Although we suspect that this variant may be benign, at this time its clinical significance is uncertain due to the absence of conclusive functional and genetic evidence.

NM_006031.6(PCNT):c.267+3A>G

Gene: PCNT (pericentrin; plus strand). Cytogenetic location: 21q22.3.
Variant type: single nucleotide variant.
Coding change: c.267+3A>G on transcript NM_006031.6 (MANE Select); 3 bases into the intron after coding-DNA position 267, A replaced by G.
Molecular consequence: intron variant.
Genome position (GRCh38, 1-based): chr21:46,326,592, A>G. VCF-style: chr21-46326592-A-G. GRCh37 (hg19) VCF-style: chr21-47746506-A-G.
Other names: c.-88+3A>G (NM_001315529.2).
Identifiers: ClinVar variation 895265 (VCV000895265.6), dbSNP rs771971500, ClinGen allele CA10078186.
Genomic context (GRCh38, chr21:46,326,592, plus strand): 5'-CAAAAGCACATCATGTGACGACACCCCTGATGGGGCAGGAGGGGCCTTTGCAGCTCAGGT[A>G]GATTTGCTCAATGTTGTATTTGAACATTTCGCTTATCTTCTAGTGATTTCTAGTGTGATT-3'